The following is an entry in ClinVar:

ClinVar aggregate classification (germline): not provided (0 of 4 stars; one submission).

Conditions:
Hyperimmunoglobulin D with periodic fever (HIDS). Also called: HYPERIMMUNOGLOBULINEMIA D AND PERIODIC FEVER SYNDROME; Hyperimmunoglobulinemia D; Hyperimmunoglobulinemia D with periodic fever. Identifiers: Orphanet 343, MedGen C0398691, MONDO:0009849, OMIM 260920.

Allele frequency attached by ClinVar (database versions not stated): gnomAD 0.00001; TOPMed 0.00003.
gnomAD v4.1: 4 of 1,570,656 alleles (0.00025%); highest among the groups gnomAD compares: African/African-American, 0.0027%; no homozygotes.

Submission:

Unité médicale des maladies autoinflammatoires, CHRU Montpellier
No classification provided. Condition: Hyperimmunoglobulin D with periodic fever. Review status: no classification provided. Collection method: not provided. Allele origin: unknown.
Comment: also involved in OMIM 25117

NM_000431.4(MVK):c.632-71A>G

Gene: MVK (mevalonate kinase; plus strand). Cytogenetic location: 12q24.11.
Variant type: single nucleotide variant.
Coding change: c.632-71A>G on transcript NM_000431.4 (MANE Select); 71 bases into the intron before coding-DNA position 632, A replaced by G.
Molecular consequence: intron variant.
Genome position (GRCh38, 1-based): chr12:109,586,683, A>G. VCF-style: chr12-109586683-A-G. GRCh37 (hg19) VCF-style: chr12-110024488-A-G.
Other names: c.476-71A>G (NM_001301182.2); c.632-71A>G (NM_001114185.3).
Identifiers: ClinVar variation 97605 (VCV000097605.1), dbSNP rs104895346, ClinGen allele CA149864.